The following is an entry in ClinVar:

ClinVar aggregate classification (germline): Likely benign. Review status: criteria provided, multiple submitters, no conflicts (2 of 4 stars). 2 submissions from 2 submitters: Likely benign (2). Last evaluated 2023-07-10.

Conditions:
Fabry disease. Also called: Fabry's disease; ALPHA-GALACTOSIDASE A DEFICIENCY; ANDERSON-FABRY DISEASE; CERAMIDE TRIHEXOSIDASE DEFICIENCY; GLA DEFICIENCY; HEREDITARY DYSTOPIC LIPIDOSIS. Identifiers: Orphanet 324, MedGen C0002986, MONDO:0010526, OMIM 301500, HP:0001071. Disease mechanism: Fabry disease is due to inactivating mutations in the X-linked GLA gene resulting in deficiency of the enzyme Alpha Galactosidase-A., loss of function.

Submissions (2):

All of Us Research Program, National Institutes of Health
Classification: Likely benign for Fabry disease. Last evaluated: 2023-07-10. Review status: criteria provided, single submitter. Criteria: ACMG Guidelines, 2015. Collection method: clinical testing. Allele origin: germline. Inheritance: X-linked inheritance. Observed: 1 variant allele, 1 heterozygote.
Comment: This study involves interpretation of variants in research participants for the purpose of population health screening. Participant phenotype was not available at the time of variant classification. Additional details can be found in publication PMID: 35346344, PMCID: PMC8962531

Labcorp Genetics (formerly Invitae), Labcorp
Classification: Likely benign for Fabry disease. Last evaluated: 2023-03-22. Review status: criteria provided, single submitter. Criteria: Invitae Variant Classification Sherloc (09022015). Collection method: clinical testing. Allele origin: germline.

NM_000169.3(GLA):c.370-12C>T

Genes: GLA (galactosidase alpha; minus strand), RPL36A-HNRNPH2 (RPL36A-HNRNPH2 readthrough; plus strand). Cytogenetic location: Xq22.1.
Variant type: single nucleotide variant.
Coding change: c.370-12C>T on transcript NM_000169.3 (MANE Select); 12 bases into the intron before coding-DNA position 370, C replaced by T.
Molecular consequence: intron variant.
Genome position (GRCh38, 1-based): chrX:101,401,821, G>A on the plus strand (C>T on the coding strand, the complement: GLA is on the minus strand). VCF-style: chrX-101401821-G-A. GRCh37 (hg19) VCF-style: chrX-100656809-G-A.
Other names: c.300+6364G>A (NM_001199973.2); c.177+9999G>A (NM_001199974.2); c.493-12C>T (NM_001406747.1, NM_001406749.1); c.370-12C>T (NM_001406748.1).
Identifiers: ClinVar variation 2848406 (VCV002848406.4), dbSNP rs2520898210, ClinGen allele CA2739273669.